The following is an entry in ClinVar:

ClinVar aggregate classification (germline): Benign/Likely benign. Review status: criteria provided, multiple submitters, no conflicts (2 of 4 stars). 10 submissions from 10 submitters: Benign (8); Likely benign (1). 1 of the submissions does not count toward it. Last evaluated 2026-09-01.

Conditions:
Epidermolysis bullosa simplex with nail dystrophy (EBS5D). Identifiers: MedGen C4225309, MONDO:0014661, OMIM 616487.
Epidermolysis bullosa simplex 5C, with pyloric atresia (EBS5C). Also called: PLEC-Related Epidermolysis Bullosa with Pyloric Atresia; Epidermolysis bullosa simplex with pyloric atresia; PLEC1-Related Epidermolysis Bullosa with Pyloric Atresia. Identifiers: Orphanet 158684, MedGen C2677349, MONDO:0012807, OMIM 612138.
Epidermolysis bullosa simplex 5B, with muscular dystrophy (EBS5B). Also called: EPIDERMOLYSIS BULLOSA SIMPLEX AND LIMB-GIRDLE MUSCULAR DYSTROPHY; Epidermolysis bullosa simplex with muscular dystrophy. Identifiers: Orphanet 257, MedGen C2931072, MONDO:0009181, OMIM 226670.
Autosomal recessive limb-girdle muscular dystrophy type 2Q (LGMDR17). Also called: MUSCULAR DYSTROPHY, LIMB-GIRDLE, AUTOSOMAL RECESSIVE 17. Identifiers: Orphanet 254361, MedGen C3150989, MONDO:0013390, OMIM 613723.
Epidermolysis bullosa simplex, Ogna type (EBS5A). Also called: Pidermolysis bullosa simplex 5A, Ogna type; EPIDERMOLYSIS BULLOSA SIMPLEX 5A, OGNA TYPE. Identifiers: Orphanet 79401, MedGen C0432317, MONDO:0007555, OMIM 131950.
Junctional epidermolysis bullosa with pyloric atresia. Also called: Junctional Epidermolysis Bullosa- Pyloric Atresia Syndrome; Epidermolysis bullosa, junctional, with pyloric atresia and aplasia cutis congenita; Epidermolysis bullosa junctionalis with pyloric atresia; EPIDERMOLYSIS BULLOSA, JUNCTIONAL 5B, WITH PYLORIC ATRESIA; APLASIA CUTIS CONGENITA WITH GASTROINTESTINAL ATRESIA; CARMI SYNDROME. Identifiers: Orphanet 79403, MedGen C5676875, MONDO:0009183, OMIM 226730.

Allele frequency attached by ClinVar (database versions not stated): 1000 Genomes Project 30x 0.00468; TOPMed 0.00655; gnomAD exomes 0.00930 and 0.01160; gnomAD 0.01046 and 0.01083; ExAC 0.01438; 1000 Genomes Project 0.00419; ESP Exome Variant Server 0.00602.
gnomAD v4.1: 17,749 of 1,553,096 alleles (1.1%); highest among the groups gnomAD compares: Non-Finnish European, 1.2%; 174 homozygotes.

Submissions (10):

CeGaT Center for Human Genetics Tuebingen
Classification: Benign. Last evaluated: 2026-09-01. Review status: criteria provided, single submitter. Criteria: CeGaT Center For Human Genetics Tuebingen Variant Classification Criteria Version 2. Collection method: clinical testing. Allele origin: germline. Affected: yes. Observed: 26 variant alleles.
Comment: PLEC: BS1, BS2

Labcorp Genetics (formerly Invitae), Labcorp
Classification: Benign for Autosomal recessive limb-girdle muscular dystrophy type 2Q; Epidermolysis bullosa simplex, Ogna type; Epidermolysis bullosa simplex with nail dystrophy; Epidermolysis bullosa simplex 5C, with pyloric atresia; Epidermolysis bullosa simplex 5B, with muscular dystrophy. Last evaluated: 2026-02-01. Review status: criteria provided, single submitter. Criteria: Invitae Variant Classification Sherloc (09022015). Collection method: clinical testing. Allele origin: germline.

Athena Diagnostics
Classification: Benign. Last evaluated: 2025-03-13. Review status: criteria provided, single submitter. Criteria: Athena Diagnostics Criteria. Collection method: clinical testing. Allele origin: unknown.
Comment: The frequency of this variant in the general population is higher than would generally be expected for pathogenic variants in this gene.

Fulgent Genetics
Classification: Likely benign for Epidermolysis bullosa simplex, Ogna type; Epidermolysis bullosa simplex 5B, with muscular dystrophy; Junctional epidermolysis bullosa with pyloric atresia; Epidermolysis bullosa simplex 5C, with pyloric atresia; Autosomal recessive limb-girdle muscular dystrophy type 2Q; Epidermolysis bullosa simplex with nail dystrophy. Last evaluated: 2021-12-02. Review status: criteria provided, single submitter. Criteria: ACMG Guidelines, 2015. Collection method: clinical testing. Allele origin: unknown.

Mayo Clinic Laboratories, Mayo Clinic
Classification: Benign. Last evaluated: 2017-12-20. Review status: criteria provided, single submitter. Criteria: ACMG Guidelines, 2015. Collection method: clinical testing. Allele origin: germline. Observed: 21 variant alleles.

Center for Pediatric Genomic Medicine, Children's Mercy Hospital and Clinics
Classification: Benign. Last evaluated: 2016-11-30. Review status: criteria provided, single submitter. Criteria: ACMG Guidelines, 2015. Collection method: clinical testing. Allele origin: germline.

GeneDx
Classification: Benign. Last evaluated: 2016-03-11. Review status: criteria provided, single submitter. Criteria: GeneDx Variant Classification (06012015). Collection method: clinical testing. Allele origin: germline. Affected: yes.
Comment: This variant is considered likely benign or benign based on one or more of the following criteria: it is a conservative change, it occurs at a poorly conserved position in the protein, it is predicted to be benign by multiple in silico algorithms, and/or has population frequency not consistent with disease.

Eurofins Ntd Llc (ga)
Classification: Benign. Last evaluated: 2013-11-12. Review status: criteria provided, single submitter. Criteria: EGL Classification Definitions 2015. Collection method: clinical testing. Allele origin: germline. Observed: 1 variant allele, 1 heterozygote.

Breakthrough Genomics
Classification: Benign. Review status: criteria provided, single submitter. Criteria: ACMG Guidelines, 2015. Collection method: not provided. Allele origin: germline. Inheritance: Autosomal recessive inheritance. Affected: yes.

Genetic Services Laboratory, University of Chicago
Classification: Likely benign for AllHighlyPenetrant. Review status: no assertion criteria provided. Collection method: clinical testing. Allele origin: germline. Inheritance: Autosomal recessive inheritance. Not counted in ClinVar's aggregate classification.
Comment: Likely benign based on allele frequency in 1000 Genomes Project or ESP global frequency and its presence in a patient with a rare or unrelated disease phenotype. NOT Sanger confirmed.

NM_201384.3(PLEC):c.5477G>A (p.Arg1826Gln)

Gene: PLEC (plectin; minus strand). Cytogenetic location: 8q24.3.
Variant type: single nucleotide variant.
Coding change: c.5477G>A on transcript NM_201384.3 (MANE Select); coding-DNA position 5477, G replaced by A.
Protein change: p.Arg1826Gln; replaces arginine 1826 with glutamine.
Molecular consequence: missense variant.
Genome position (GRCh38, 1-based): chr8:143,924,452, C>T on the plus strand (G>A on the coding strand, the complement: PLEC is on the minus strand). VCF-style: chr8-143924452-C-T. GRCh37 (hg19) VCF-style: chr8-144998620-C-T.
Other names: p.Arg1812Gln; c.5558G>A, p.Arg1853Gln (NM_000445.5); c.5435G>A, p.Arg1812Gln (NM_201378.4); c.5411G>A, p.Arg1804Gln (NM_201379.3); c.5888G>A, p.Arg1963Gln (NM_201380.4); c.5381G>A, p.Arg1794Gln (NM_201381.3); c.5477G>A, p.Arg1826Gln (NM_201382.4); c.5489G>A, p.Arg1830Gln (NM_201383.3); short protein forms R1794Q, R1804Q, R1812Q, R1826Q, R1830Q, R1853Q, R1963Q.
Identifiers: ClinVar variation 93063 (VCV000093063.47), dbSNP rs147838690, ClinGen allele CA146437.